The following is an entry in ClinVar:

NM_004958.4(MTOR):c.716A>T (p.Glu239Val)

Gene: MTOR (mechanistic target of rapamycin kinase; minus strand). Cytogenetic location: 1p36.22.
Variant type: single nucleotide variant.
Coding change: c.716A>T on transcript NM_004958.4 (MANE Select); coding-DNA position 716, A replaced by T.
Protein change: p.Glu239Val; replaces glutamic acid 239 with valine.
Molecular consequence: missense variant.
Genome position (GRCh38, 1-based): chr1:11,253,963, T>A on the plus strand (A>T on the coding strand, the complement: MTOR is on the minus strand). VCF-style: chr1-11253963-T-A. GRCh37 (hg19) VCF-style: chr1-11314020-T-A.
Other names: short protein forms E239V.
Identifiers: ClinVar variation 966478 (VCV000966478.9), dbSNP rs1650032357, ClinGen allele CA338401680.

ClinVar aggregate classification (germline): Uncertain significance (1 of 4 stars; one submission).

Submission:

Labcorp Genetics (formerly Invitae), Labcorp
Classification: Uncertain significance. Last evaluated: 2022-11-21. Review status: criteria provided, single submitter. Criteria: Invitae Variant Classification Sherloc (09022015). Collection method: clinical testing. Allele origin: germline.
Comment: This sequence change replaces glutamic acid, which is acidic and polar, with valine, which is neutral and non-polar, at codon 239 of the MTOR protein (p.Glu239Val). In summary, the available evidence is currently insufficient to determine the role of this variant in disease. Therefore, it has been classified as a Variant of Uncertain Significance. Advanced modeling of protein sequence and biophysical properties (such as structural, functional, and spatial information, amino acid conservation, physicochemical variation, residue mobility, and thermodynamic stability) performed at Invitae indicates that this missense variant is not expected to disrupt MTOR protein function. ClinVar contains an entry for this variant (Variation ID: 966478). This variant has not been reported in the literature in individuals affected with MTOR-related conditions. This variant is not present in population databases (gnomAD no frequency).